The following is an entry in ClinVar:

ClinVar aggregate classification (germline): Uncertain significance (1 of 4 stars; one submission).

Conditions:
Hereditary cancer-predisposing syndrome. Also called: Tumor predisposition; Hereditary Cancer Syndrome; Hereditary neoplastic syndrome; Neoplastic Syndromes, Hereditary. Identifiers: Orphanet 140162, MedGen C0027672, MeSH D009386, MONDO:0015356.

Allele frequency attached by ClinVar (database versions not stated): gnomAD exomes below 0.00001; TOPMed below 0.00001; ExAC 0.00002.

Submission:

Ambry Genetics
Classification: Uncertain significance for Hereditary cancer-predisposing syndrome. Last evaluated: 2023-06-21. Review status: criteria provided, single submitter. Criteria: Ambry Variant Classification Scheme 2023. Collection method: clinical testing. Allele origin: germline.
Comment: The p.N125S variant (also known as c.374A>G), located in coding exon 5 of the MAX gene, results from an A to G substitution at nucleotide position 374. The asparagine at codon 125 is replaced by serine, an amino acid with highly similar properties. This amino acid position is conserved. In addition, the in silico prediction for this alteration is inconclusive. Since supporting evidence is limited at this time, the clinical significance of this alteration remains unclear.

NM_002382.5(MAX):c.374A>G (p.Asn125Ser)

Gene: MAX (MYC associated transcriptional regulator X; minus strand). Cytogenetic location: 14q23.3.
Variant type: single nucleotide variant.
Coding change: c.374A>G on transcript NM_002382.5 (MANE Select); coding-DNA position 374, A replaced by G.
Protein change: p.Asn125Ser; replaces asparagine 125 with serine.
Molecular consequence: missense variant. On other transcripts: 3 prime UTR variant (12), non-coding transcript variant (7), intron variant (2).
Genome position (GRCh38, 1-based): chr14:65,076,585, T>C on the plus strand (A>G on the coding strand, the complement: MAX is on the minus strand). VCF-style: chr14-65076585-T-C. GRCh37 (hg19) VCF-style: chr14-65543303-T-C.
Other names: c.185A>G, p.Asn62Ser (NM_001320415.2, NM_001407105.1, NM_001407106.1 and 1 more transcripts); c.374A>G, p.Asn125Ser (NM_001407094.1); c.347A>G, p.Asn116Ser (NM_001407095.1, NM_145112.3); c.*147A>G (NM_001407096.1, NM_001407099.1, NM_001407102.1 and 2 more transcripts); c.*163A>G (NM_001407097.1, NM_001407100.1, NM_001407101.1 and 4 more transcripts); c.266A>G, p.Asn89Ser (NM_001407098.1); c.173A>G, p.Asn58Ser (NM_001407111.1, NM_001407112.1); c.144+17123A>G (NM_001271069.2); and 1 more; short protein forms N58S, N62S, N125S, N89S, N116S.
Identifiers: ClinVar variation 2624995 (VCV002624995.2), dbSNP rs754773930, ClinGen allele CA7232802.